The following is an entry in ClinVar:

NM_003477.3(PDHX):c.47A>G (p.Tyr16Cys)

Genes: PDHX (pyruvate dehydrogenase complex component X; plus strand), LOC130005549 (ATAC-STARR-seq lymphoblastoid active region 4608; plus strand). Cytogenetic location: 11p13.
Variant type: single nucleotide variant.
Coding change: c.47A>G on transcript NM_003477.3 (MANE Select); coding-DNA position 47, A replaced by G.
Protein change: p.Tyr16Cys; replaces tyrosine 16 with cysteine.
Molecular consequence: missense variant. On other transcripts: intron variant (1).
Genome position (GRCh38, 1-based): chr11:34,916,702, A>G. VCF-style: chr11-34916702-A-G. GRCh37 (hg19) VCF-style: chr11-34938249-A-G.
Other names: c.47A>G, p.Tyr16Cys (NM_001166158.2); c.-21+216A>G (NM_001135024.2); short protein forms Y16C.
Identifiers: ClinVar variation 2159311 (VCV002159311.4), dbSNP rs118136428, ClinGen allele CA220475440.

ClinVar aggregate classification (germline): Uncertain significance (1 of 4 stars; one submission).

Submission:

Labcorp Genetics (formerly Invitae), Labcorp
Classification: Uncertain significance. Last evaluated: 2022-03-27. Review status: criteria provided, single submitter. Criteria: Invitae Variant Classification Sherloc (09022015). Collection method: clinical testing. Allele origin: germline.
Comment: In summary, the available evidence is currently insufficient to determine the role of this variant in disease. Therefore, it has been classified as a Variant of Uncertain Significance. Algorithms developed to predict the effect of missense changes on protein structure and function output the following: SIFT: "Tolerated"; PolyPhen-2: "Benign"; Align-GVGD: "Class C0". The cysteine amino acid residue is found in multiple mammalian species, which suggests that this missense change does not adversely affect protein function. This variant has not been reported in the literature in individuals affected with PDHX-related conditions. This variant is not present in population databases (gnomAD no frequency). This sequence change replaces tyrosine, which is neutral and polar, with cysteine, which is neutral and slightly polar, at codon 16 of the PDHX protein (p.Tyr16Cys).